The following is an entry in ClinVar:

NM_018896.5(CACNA1G):c.4919A>G (p.Asp1640Gly)

Gene: CACNA1G (calcium voltage-gated channel subunit alpha1 G; plus strand). Cytogenetic location: 17q21.33.
Variant type: single nucleotide variant.
Coding change: c.4919A>G on transcript NM_018896.5 (MANE Select); coding-DNA position 4919, A replaced by G.
Protein change: p.Asp1640Gly; replaces aspartic acid 1640 with glycine.
Molecular consequence: missense variant. On other transcripts: non-coding transcript variant (5).
Genome position (GRCh38, 1-based): chr17:50,616,282, A>G. VCF-style: chr17-50616282-A-G. GRCh37 (hg19) VCF-style: chr17-48693643-A-G.
Other names: c.4865A>G, p.Asp1622Gly (NM_001256324.2, NM_001256328.2, NM_198386.3); c.4940A>G, p.Asp1647Gly (NM_001256325.2); c.4784A>G, p.Asp1595Gly (NM_001256326.2, NM_001256330.2); c.4919A>G, p.Asp1640Gly (NM_001256327.2, NM_001256333.2, NM_198384.3 and 1 more transcripts); c.4817A>G, p.Asp1606Gly (NM_001256329.2, NM_198376.3, NM_198379.3 and 2 more transcripts); c.4763A>G, p.Asp1588Gly (NM_001256331.2); c.4748A>G, p.Asp1583Gly (NM_001256332.2); c.4886A>G, p.Asp1629Gly (NM_001256334.2, NM_198377.3, NM_198378.3 and 1 more transcripts); and 5 more; short protein forms D1583G, D1588G, D1595G, D1599G, D1602G, D1604G, D1606G, D1613G.
Identifiers: ClinVar variation 1690533 (VCV001690533.2), dbSNP rs2146236090, ClinGen allele CA400261850.

ClinVar aggregate classification (germline): Uncertain significance (1 of 4 stars; one submission).

Submission:

Laboratorio de Genetica e Diagnostico Molecular, Hospital Israelita Albert Einstein
Classification: Uncertain significance. Last evaluated: 2021-12-28. Review status: criteria provided, single submitter. Criteria: ACMG Guidelines, 2015. Collection method: clinical testing. Allele origin: germline. Affected: yes.
Comment: ACMG classification criteria: PM2, PP2, PP3